The following is an entry in ClinVar:

NM_005566.4(LDHA):c.*41C>T

Gene: LDHA (lactate dehydrogenase A; plus strand). Cytogenetic location: 11p15.1.
Variant type: single nucleotide variant.
Coding change: c.*41C>T on transcript NM_005566.4 (MANE Select); 41 bases downstream of the stop codon, C replaced by T.
Molecular consequence: 3 prime UTR variant. On other transcripts: synonymous variant (1), non-coding transcript variant (1).
Genome position (GRCh38, 1-based): chr11:18,407,322, C>T. VCF-style: chr11-18407322-C-T. GRCh37 (hg19) VCF-style: chr11-18428869-C-T.
Other names: c.*41C>T (NM_001135239.2, NM_001165414.2); c.771C>T, p.Asn257= (NM_001165415.2); c.*190C>T (NM_001165416.2).
Identifiers: ClinVar variation 3035179 (VCV003035179.2), dbSNP rs377516196, ClinGen allele CA5911459.
Genomic context (GRCh38, chr11:18,407,322, plus strand): 5'-AAAAGGAGCTGCAATTTTAAAGTCTTCTGATGTCATATCATTTCACTGTCTAGGCTACAA[C>T]AGGATTCTAGGTGGAGGTTGTGCATGTTGTCCTTTTTATCTGATCTGTGATTAAAGCAGT-3'

ClinVar aggregate classification (germline): Likely benign (0 of 4 stars; one submission).

Conditions:
LDHA-related disorder. Also called: LDHA-related condition.

Allele frequency attached by ClinVar (database versions not stated): gnomAD exomes 0.00004; ExAC 0.00009; gnomAD 0.00029; TOPMed 0.00039; ESP Exome Variant Server 0.00054.
gnomAD v4.1: 99 of 1,612,046 alleles (0.0061%); highest among the groups gnomAD compares: African/African-American, 0.11%; no homozygotes.

Submission:

PreventionGenetics, part of Exact Sciences
Classification: Likely benign for LDHA-related condition. Last evaluated: 2024-01-24. Review status: no assertion criteria provided. Collection method: clinical testing. Allele origin: germline.
Comment: This variant is classified as likely benign based on ACMG/AMP sequence variant interpretation guidelines (Richards et al. 2015 PMID: 25741868, with internal and published modifications).